The following is an entry in ClinVar:

ClinVar aggregate classification (germline): Uncertain significance (1 of 4 stars; one submission).

Conditions:
Cardiovascular phenotype. Identifiers: MedGen CN230736.

Submission:

Ambry Genetics
Classification: Uncertain significance for Cardiovascular phenotype. Last evaluated: 2026-07-26. Review status: criteria provided, single submitter. Criteria: Ambry Variant Classification Scheme 2023. Collection method: clinical testing. Allele origin: germline.
Comment: The p.D578N variant (also known as c.1732G>A), located in coding exon 2 of the TNXB gene, results from a G to A substitution at nucleotide position 1732. The aspartic acid at codon 578 is replaced by asparagine, an amino acid with highly similar properties. This amino acid position is conserved. In addition, this alteration is predicted to be tolerated by in silico analysis. Based on the available evidence, the clinical significance of this variant remains unclear.

NM_001365276.2(TNXB):c.1732G>A (p.Asp578Asn)

Gene: TNXB (tenascin XB; minus strand). Cytogenetic location: 6p21.33.
Variant type: single nucleotide variant.
Coding change: c.1732G>A on transcript NM_001365276.2 (MANE Select); coding-DNA position 1732, G replaced by A.
Protein change: p.Asp578Asn; replaces aspartic acid 578 with asparagine.
Molecular consequence: missense variant.
Genome position (GRCh38, 1-based): chr6:32,096,121, C>T on the plus strand (G>A on the coding strand, the complement: TNXB is on the minus strand). VCF-style: chr6-32096121-C-T. GRCh37 (hg19) VCF-style: chr6-32063898-C-T.
Other names: c.1732G>A, p.Asp578Asn (NM_001428335.1, NM_019105.8); short protein forms D578N.
Identifiers: ClinVar variation 5031029 (VCV005031029.1).